The following is an entry in ClinVar:

NM_005477.3(HCN4):c.415_416delinsAT (p.Pro139Ile)

Gene: HCN4 (hyperpolarization activated cyclic nucleotide gated potassium channel 4; minus strand). Cytogenetic location: 15q24.1.
Variant type: Indel.
Coding change: c.415_416delinsAT on transcript NM_005477.3 (MANE Select); coding-DNA positions 415 to 416, CC replaced by AT.
Protein change: p.Pro139Ile; replaces proline 139 with isoleucine.
Molecular consequence: missense variant.
Genome position (GRCh38, 1-based): chr15:73,367,855-73,367,856, GG replaced by AT on the plus strand (CC replaced by AT on the coding strand, the reverse complement: HCN4 is on the minus strand). VCF-style: chr15-73367855-GG-AT. GRCh37 (hg19) VCF-style: chr15-73660196-GG-AT.
Other names: short protein forms P139I.
Identifiers: ClinVar variation 2770620 (VCV002770620.3), dbSNP rs2549080387, ClinGen allele CA2697549206.

ClinVar aggregate classification (germline): Uncertain significance (1 of 4 stars; one submission).

Conditions:
Brugada syndrome 8 (BRGDA8). Identifiers: Orphanet 130, MedGen C2751083, MONDO:0013148, OMIM 613123.

Submission:

Labcorp Genetics (formerly Invitae), Labcorp
Classification: Uncertain significance for Brugada syndrome 8. Last evaluated: 2023-10-22. Review status: criteria provided, single submitter. Criteria: Invitae Variant Classification Sherloc (09022015). Collection method: clinical testing. Allele origin: germline.
Comment: This sequence change replaces proline, which is neutral and non-polar, with isoleucine, which is neutral and non-polar, at codon 139 of the HCN4 protein (p.Pro139Ile). Information on the frequency of this variant in the gnomAD database is not available, as this variant may be reported differently in the database. This variant has not been reported in the literature in individuals affected with HCN4-related conditions. Experimental studies and prediction algorithms are not available or were not evaluated, and the functional significance of this variant is currently unknown. In summary, the available evidence is currently insufficient to determine the role of this variant in disease. Therefore, it has been classified as a Variant of Uncertain Significance.